The following is an entry in ClinVar:

ClinVar aggregate classification (germline): Uncertain significance (1 of 4 stars; one submission).

Submission:

Department of Molecular Genetics, Istishari Arab Hospital
Classification: Uncertain significance. Last evaluated: 2026-07-14. Review status: criteria provided, single submitter. Criteria: ACMG Guidelines, 2015. Collection method: clinical testing. Allele origin: germline. Inheritance: Autosomal recessive inheritance. Affected: yes.
Comment: The MCMDC2 variant c.1990del, p.Glu664Asnfs*30 causes a shift in the reading frame at position 664 located in the last exon (exon 15 of 15), which results in termination of protein function 30 codons downstream. Because the premature stop codon is located within the terminal exon, nonsense-mediated mRNA decay is not expected. The variant is not observed in the gnomAD v4.1.0 dataset and, to the best of our knowledge, has not been reported in the literature. It is classified as a variant of uncertain significance based on ACMG/AMP/ClinGen SVI guidelines.Most recently, a novel homozygous loss-of-function frameshift variant (p.Leu86Valfs*12) was reported in a patient with non-obstructive azoospermia due to maturation arrest. This study also reviewed all previously published MCMDC2-associated cases, further expanding the mutational spectrum and strengthening the evidence supporting the role of MCMDC2 in autosomal recessive spermatogenic failure (PMID: 41820312).

Literature cited by the submitters: PubMed 41820312.

NM_173518.5(MCMDC2):c.1990del (p.Glu664fs)

Gene: MCMDC2 (minichromosome maintenance domain containing 2; plus strand). Cytogenetic location: 8q13.1.
Variant type: Deletion.
Coding change: c.1990del on transcript NM_173518.5 (MANE Select); coding-DNA position 1990, one base deleted (G; older notation c.1990delG).
Protein change: p.Glu664fs; shifts the reading frame from glutamic acid 664.
Molecular consequence: frameshift variant.
Genome position (GRCh38, 1-based): chr8:66,919,113, G deleted; the last of 2 consecutive G bases (chr8:66,919,112-66,919,113); deleting either gives the same sequence. VCF-style (leftmost placement, unchanged base first): chr8-66919111-TG-T. GRCh37 (hg19) VCF-style: chr8-67831346-TG-T.
Other names: p.Glu664Asnfs*30; short protein forms E664fs.
Identifiers: ClinVar variation 4876789 (VCV004876789.1).